The following is an entry in ClinVar:

NM_001376.5(DYNC1H1):c.4107G>T (p.Gln1369His)

Gene: DYNC1H1 (dynein cytoplasmic 1 heavy chain 1; plus strand). Cytogenetic location: 14q32.31.
Variant type: single nucleotide variant.
Coding change: c.4107G>T on transcript NM_001376.5 (MANE Select); coding-DNA position 4107, G replaced by T.
Protein change: p.Gln1369His; replaces glutamine 1369 with histidine.
Molecular consequence: missense variant.
Genome position (GRCh38, 1-based): chr14:102,000,986, G>T. VCF-style: chr14-102000986-G-T. GRCh37 (hg19) VCF-style: chr14-102467323-G-T.
Other names: short protein forms Q1369H.
Identifiers: ClinVar variation 1714802 (VCV001714802.6), dbSNP rs2503729464, ClinGen allele CA391039640.

ClinVar aggregate classification (germline): Uncertain significance. Review status: criteria provided, multiple submitters, no conflicts (2 of 4 stars). 2 submissions from 2 submitters: Uncertain significance (2). Last evaluated 2023-12-11.

Conditions:
Charcot-Marie-Tooth disease axonal type 2O. Also called: CHARCOT-MARIE-TOOTH NEUROPATHY, AXONAL, TYPE 2O; CHARCOT-MARIE-TOOTH DISEASE, AXONAL, AUTOSOMAL DOMINANT, TYPE 2O; Charcot-Marie-Tooth Neuropathy Type 2O; Charcot-Marie-Tooth disease, axonal, type 20. Identifiers: Orphanet 284232, MedGen C3280220, MONDO:0013644, OMIM 614228.

Submissions (2):

Labcorp Genetics (formerly Invitae), Labcorp
Classification: Uncertain significance for Charcot-Marie-Tooth disease axonal type 2O. Last evaluated: 2023-12-11. Review status: criteria provided, single submitter. Criteria: Invitae Variant Classification Sherloc (09022015). Collection method: clinical testing. Allele origin: germline.
Comment: This sequence change replaces glutamine, which is neutral and polar, with histidine, which is basic and polar, at codon 1369 of the DYNC1H1 protein (p.Gln1369His). This variant is not present in population databases (gnomAD no frequency). This variant has not been reported in the literature in individuals affected with DYNC1H1-related conditions. ClinVar contains an entry for this variant (Variation ID: 1714802). Advanced modeling of protein sequence and biophysical properties (such as structural, functional, and spatial information, amino acid conservation, physicochemical variation, residue mobility, and thermodynamic stability) has been performed at Invitae for this missense variant, however the output from this modeling did not meet the statistical confidence thresholds required to predict the impact of this variant on DYNC1H1 protein function. In summary, the available evidence is currently insufficient to determine the role of this variant in disease. Therefore, it has been classified as a Variant of Uncertain Significance.

GeneDx
Classification: Uncertain significance. Last evaluated: 2023-07-31. Review status: criteria provided, single submitter. Criteria: GeneDx Variant Classification Process June 2021. Collection method: clinical testing. Allele origin: germline. Affected: yes.
Comment: Not observed at significant frequency in large population cohorts (gnomAD); In silico analysis supports that this missense variant has a deleterious effect on protein structure/function; Has not been previously published as pathogenic or benign to our knowledge; This variant is associated with the following publications: (PMID: 26100331, 25609763, 25512093)